The following is an entry in ClinVar:

ClinVar aggregate classification (germline): Conflicting classifications of pathogenicity. Review status: criteria provided, conflicting classifications (1 of 4 stars). 9 submissions from 9 submitters: Uncertain significance (1); Benign (3); Likely benign (5). Last evaluated 2025-11-15.

Conditions:
Inborn genetic diseases. Identifiers: MedGen C0950123, MeSH D030342.
Cornelia de Lange syndrome 1 (CDLS1). Also called: TYPUS DEGENERATIVUS AMSTELODAMENSIS; NIPBL-Related Cornelia de Lange Syndrome; Brachmann de Lange syndrome. Identifiers: Orphanet 199, MedGen C4551851, MONDO:0007387, OMIM 122470.

Allele frequency attached by ClinVar (database versions not stated): 1000 Genomes Project 0.00020; 1000 Genomes Project 30x 0.00031; gnomAD 0.00047 and 0.00048; ExAC 0.00053; gnomAD exomes 0.00054 and 0.00087; TOPMed 0.00055; ESP Exome Variant Server 0.00062.
gnomAD v4.1: 1,333 of 1,612,258 alleles (0.083%); highest among the groups gnomAD compares: Non-Finnish European, 0.11%; 1 homozygote.

Submissions (11):

Labcorp Genetics (formerly Invitae), Labcorp
Classification: Likely benign for Cornelia de Lange syndrome 1. Last evaluated: 2025-11-15. Review status: criteria provided, single submitter. Criteria: Invitae Variant Classification Sherloc (09022015). Collection method: clinical testing. Allele origin: germline.

CeGaT Center for Human Genetics Tuebingen
Classification: Likely benign. Last evaluated: 2025-04-01. Review status: criteria provided, single submitter. Criteria: CeGaT Center For Human Genetics Tuebingen Variant Classification Criteria Version 2. Collection method: clinical testing. Allele origin: germline. Affected: yes. Observed: 3 variant alleles.
Comment: NIPBL: BP4, BP7

Blueprint Genetics
Classification: Likely benign. Last evaluated: 2024-10-30. Review status: criteria provided, single submitter. Criteria: ACMG Guidelines, 2015. Collection method: clinical testing. Allele origin: germline.

Genome-Nilou Lab
Classification: Benign for Cornelia de Lange syndrome 1. Last evaluated: 2021-07-15. Review status: criteria provided, single submitter. Criteria: ACMG Guidelines, 2015. Collection method: clinical testing. Allele origin: germline. Affected: no.

GeneDx
Classification: Benign. Last evaluated: 2020-11-06. Review status: criteria provided, single submitter. Criteria: GeneDx Variant Classification Process June 2021. Collection method: clinical testing. Allele origin: germline. Affected: yes.

Illumina Laboratory Services, Illumina
Classification: Likely benign for Cornelia de Lange syndrome 1. Last evaluated: 2018-01-13. Review status: criteria provided, single submitter. Criteria: ICSL Variant Classification Criteria 13 December 2019. Collection method: clinical testing. Allele origin: germline.
Comment: This variant was observed in the ICSL laboratory as part of a predisposition screen in an ostensibly healthy population. It had not been previously curated by ICSL or reported in the Human Gene Mutation Database (HGMD: prior to June 1st, 2018), and was therefore a candidate for classification through an automated scoring system. Utilizing variant allele frequency, disease prevalence and penetrance estimates, and inheritance mode, an automated score was calculated to assess if this variant is too frequent to cause the disease. Based on the score and internal cut-off values, a variant classified as likely benign is not then subjected to further curation. The score for this variant resulted in a classification of likely benign for this disease.

Ambry Genetics
Classification: Likely benign for Inborn genetic diseases. Last evaluated: 2017-12-18. Review status: criteria provided, single submitter. Criteria: Ambry Variant Classification Scheme 2023. Collection method: clinical testing. Allele origin: germline.

Eurofins Ntd Llc (ga)
Classification: Uncertain significance. Last evaluated: 2016-09-13. Review status: criteria provided, single submitter. Criteria: EGL Classification Definitions 2015. Collection method: clinical testing. Allele origin: germline. Observed: 1 variant allele, 1 heterozygote.

Genetic Services Laboratory, University of Chicago
Classification: Benign. Last evaluated: 2013-02-08. Review status: criteria provided, single submitter. Criteria: ACMG Guidelines, 2007. Collection method: clinical testing. Allele origin: germline. Inheritance: Autosomal dominant inheritance.

Dr. Peter K. Rogan Lab, Western University
No classification provided (evidence only). Condition: Melanoma. Review status: no classification provided. Collection method: in vitro. Allele origin: not applicable. Functional consequence: retained intron. Not counted in ClinVar's aggregate classification.

Dr. Peter K. Rogan Lab, Western University
No classification provided (evidence only). Condition: Sarcoma. Review status: no classification provided. Collection method: in vitro. Allele origin: not applicable. Functional consequence: retained intron. Not counted in ClinVar's aggregate classification.

NM_133433.4(NIPBL):c.615G>A (p.Ser205=)

Gene: NIPBL (NIPBL cohesin loading factor; plus strand). Cytogenetic location: 5p13.2.
Variant type: single nucleotide variant.
Coding change: c.615G>A on transcript NM_133433.4 (MANE Select); coding-DNA position 615, G replaced by A.
Protein change: p.Ser205=; no amino-acid change (serine 205 retained).
Molecular consequence: synonymous variant.
Genome position (GRCh38, 1-based): chr5:36,970,880, G>A. VCF-style: chr5-36970880-G-A. GRCh37 (hg19) VCF-style: chr5-36970982-G-A.
Other names: c.615G>A, p.Ser205= (NM_015384.5).
Identifiers: ClinVar variation 159178 (VCV000159178.54), dbSNP rs150678035, ClinGen allele CA172739.